The following is an entry in ClinVar:

ClinVar aggregate classification (germline): Uncertain significance. Review status: criteria provided, multiple submitters, no conflicts (2 of 4 stars). 2 submissions from 2 submitters: Uncertain significance (2). Last evaluated 2025-02-22.

Conditions:
Inborn genetic diseases. Identifiers: MedGen C0950123, MeSH D030342.

gnomAD v4.1: 37 of 1,613,886 alleles (0.0023%); highest among the groups gnomAD compares: Non-Finnish European, 0.0029%; no homozygotes.

Submissions (2):

Ambry Genetics
Classification: Uncertain significance for Inborn genetic diseases. Last evaluated: 2025-02-22. Review status: criteria provided, single submitter. Criteria: Ambry Variant Classification Scheme 2023. Collection method: clinical testing. Allele origin: germline.

GeneDx
Classification: Uncertain significance. Last evaluated: 2023-11-21. Review status: criteria provided, single submitter. Criteria: GeneDx Variant Classification Process June 2021. Collection method: clinical testing. Allele origin: germline. Affected: yes.
Comment: Not observed at significant frequency in large population cohorts (gnomAD); In silico analysis supports that this missense variant does not alter protein structure/function; Has not been previously published as pathogenic or benign to our knowledge

NM_014290.3(TDRD7):c.2936A>G (p.Lys979Arg)

Gene: TDRD7 (tudor domain containing 7; plus strand). Cytogenetic location: 9q22.33.
Variant type: single nucleotide variant.
Coding change: c.2936A>G on transcript NM_014290.3 (MANE Select); coding-DNA position 2936, A replaced by G.
Protein change: p.Lys979Arg; replaces lysine 979 with arginine.
Molecular consequence: missense variant.
Genome position (GRCh38, 1-based): chr9:97,487,192, A>G. VCF-style: chr9-97487192-A-G. GRCh37 (hg19) VCF-style: chr9-100249474-A-G.
Other names: c.2714A>G, p.Lys905Arg (NM_001302884.2); short protein forms K905R, K979R.
Identifiers: ClinVar variation 3364615 (VCV003364615.2).